The following is an entry in ClinVar:

ClinVar aggregate classification (germline): Pathogenic (1 of 4 stars; one submission).

Conditions:
Lysosomal acid lipase deficiency. Also called: Acid cholesteryl ester hydrolase deficiency, type 2. Identifiers: Orphanet 275761, MedGen C5574740, MONDO:0800449, MONDO:0010204.

Submission:

Laboratory for Molecular Medicine, Mass General Brigham Personalized Medicine
Classification: Pathogenic for Lysosomal acid lipase deficiency. Last evaluated: 2015-02-25. Review status: criteria provided, single submitter. Criteria: LMM Criteria. Collection method: clinical testing. Allele origin: germline. Inheritance: Autosomal recessive inheritance. Observed: 1 variant allele. Study: CSER-MedSeq.
Comment: The p.Gln85X variant in LIPA has not been previously reported in individuals with lysosomal acid lipase deficiency (LALD) and was absent from large population studies. This nonsense variant leads to a premature termination codon at position 85 which is predicted to lead to a truncated or absent protein. Complete loss of LIPA function is an established disease mechanism in LALD. In summary, this variant meets our criteria to be classified as pathogenic LALD in an autosomal recessive manner.

NM_000235.4(LIPA):c.253C>T (p.Gln85Ter)

Gene: LIPA (lipase A, lysosomal acid type; minus strand). Cytogenetic location: 10q23.31.
Variant type: single nucleotide variant.
Coding change: c.253C>T on transcript NM_000235.4 (MANE Select); coding-DNA position 253, C replaced by T.
Protein change: p.Gln85Ter; replaces glutamine 85 with a stop codon.
Molecular consequence: nonsense. On other transcripts: 5 prime UTR variant (1).
Genome position (GRCh38, 1-based): chr10:89,228,375, G>A on the plus strand (C>T on the coding strand, the complement: LIPA is on the minus strand). VCF-style: chr10-89228375-G-A. GRCh37 (hg19) VCF-style: chr10-90988132-G-A.
Other names: c.253C>T, p.Gln85Ter (NM_001127605.3); c.-96C>T (NM_001288979.2); short protein forms Q85*.
Identifiers: ClinVar variation 208594 (VCV000208594.5), dbSNP rs797045094, ClinGen allele CA213318.